The following is an entry in ClinVar:

NM_000362.5(TIMP3):c.*1242G>A

Genes: SYN3 (synapsin III; minus strand), TIMP3 (TIMP metallopeptidase inhibitor 3; plus strand). Cytogenetic location: 22q12.3.
Variant type: single nucleotide variant.
Coding change: c.*1242G>A on transcript NM_000362.5 (MANE Select); 1242 bases downstream of the stop codon, G replaced by A.
Molecular consequence: 3 prime UTR variant. On other transcripts: intron variant (7).
Genome position (GRCh38, 1-based): chr22:32,860,619, G>A. VCF-style: chr22-32860619-G-A. GRCh37 (hg19) VCF-style: chr22-33256606-G-A.
Other names: c.708+4296C>T (NM_001369909.1, NM_001135774.2, NM_001369910.1); c.711+4296C>T (NM_001369907.1, NM_003490.4, NM_001369908.1 and 1 more transcripts).
Identifiers: ClinVar variation 341361 (VCV000341361.5), dbSNP rs540037700, ClinGen allele CA10651159.
Genomic context (GRCh38, chr22:32,860,619, plus strand): 5'-GAAATTCTGAACACCGTCAGCACCCTCTCTTCCCTATCATGGGTCATCTGACCCCTGTCC[G>A]TCTCCTTGTCCCTGCTTCATGTTTGGGGGCCTTTCTTTAACTGCCTTCCTGGCTTAGCTC-3'

ClinVar aggregate classification (germline): Benign (1 of 4 stars; one submission).

Conditions:
Sorsby fundus dystrophy (SFD). Also called: MACULAR DYSTROPHY, HEMORRHAGIC; Sorsby fundus dystrophy, Lavia type; FUNDUS DYSTROPHY, PSEUDOINFLAMMATORY, OF SORSBY. Identifiers: Orphanet 59181, MedGen C1850938, MONDO:0007640, OMIM 136900.

Allele frequency attached by ClinVar (database versions not stated): gnomAD 0.00001 and 0.00003; TOPMed 0.00001; 1000 Genomes Project 30x 0.00031; 1000 Genomes Project 0.00040.

Submission:

Illumina Laboratory Services, Illumina
Classification: Benign for Sorsby fundus dystrophy. Last evaluated: 2018-01-13. Review status: criteria provided, single submitter. Criteria: ICSL Variant Classification Criteria 13 December 2019. Collection method: clinical testing. Allele origin: germline.
Comment: This variant was observed in the ICSL laboratory as part of a predisposition screen in an ostensibly healthy population. It had not been previously curated by ICSL or reported in the Human Gene Mutation Database (HGMD: prior to June 1st, 2018), and was therefore a candidate for classification through an automated scoring system. Utilizing variant allele frequency, disease prevalence and penetrance estimates, and inheritance mode, an automated score was calculated to assess if this variant is too frequent to cause the disease. Based on the score and internal cut-off values, a variant classified as benign is not then subjected to further curation. The score for this variant resulted in a classification of benign for this disease.